The following is an entry in ClinVar:

NM_001148.6(ANK2):c.9682G>A (p.Val3228Met)

Gene: ANK2 (ankyrin 2; plus strand). Cytogenetic location: 4q26.
Variant type: single nucleotide variant.
Coding change: c.9682G>A on transcript NM_001148.6 (MANE Select); coding-DNA position 9682, G replaced by A.
Protein change: p.Val3228Met; replaces valine 3228 with methionine.
Molecular consequence: missense variant. On other transcripts: intron variant (68).
Genome position (GRCh38, 1-based): chr4:113,358,300, G>A. VCF-style: chr4-113358300-G-A. GRCh37 (hg19) VCF-style: chr4-114279456-G-A.
Other names: c.9682G>A (NM_001148.5); c.9448G>A, p.Val3150Met (NM_001386142.1); c.6082G>A, p.Val2028Met (NM_001386166.1); c.9823G>A, p.Val3275Met (NM_001386174.1); c.9799G>A, p.Val3267Met (NM_001386175.1); c.4412-2523G>A (NM_001386186.2, NM_001386148.2); c.4214-2523G>A (NM_001354269.3); c.4292-2523G>A (NM_001386187.2); and 36 more; short protein forms V3228M, V2028M, V3150M, V3267M, V3275M.
Identifiers: ClinVar variation 546461 (VCV000546461.19), dbSNP rs141013157, ClinGen allele CA3051964.

ClinVar aggregate classification (germline): Conflicting classifications of pathogenicity. Review status: criteria provided, conflicting classifications (1 of 4 stars). 7 submissions from 7 submitters: Uncertain significance (3); Benign (1); Likely benign (3). Last evaluated 2026-04-20.

Conditions:
Cardiovascular phenotype. Identifiers: MedGen CN230736.
Long QT syndrome (LQTS). Identifiers: MedGen C0023976, MeSH D008133, MONDO:0002442. Disease mechanism: loss of function. Inheritance: Various modes of inheritance.
Cardiac arrhythmia, ankyrin-B-related. Also called: ANKYRIN-B SYNDROME. Identifiers: Orphanet 101016, Orphanet 768, MedGen C1970119, MONDO:0010958, OMIM 600919.

Allele frequency attached by ClinVar (database versions not stated): gnomAD 0.00016 and 0.00019; TOPMed 0.00018; 1000 Genomes Project 0.00060; 1000 Genomes Project 30x 0.00078.
gnomAD v4.1: 78 of 1,613,222 alleles (0.0048%); highest among the groups gnomAD compares: African/African-American, 0.039%; no homozygotes.

Submissions (7):

Women's Health and Genetics/Laboratory Corporation of America, LabCorp
Classification: Likely benign. Last evaluated: 2026-04-20. Review status: criteria provided, single submitter. Criteria: LabCorp Variant Classification Summary - May 2015. Collection method: clinical testing. Allele origin: germline.
Comment: Variant summary: ANK2 c.9682G>A (p.Val3228Met) results in a conservative amino acid change in the encoded protein sequence. Algorithms developed to predict the effect of missense changes on protein structure and function all suggest that this variant is likely to be tolerated. The variant allele was found at a frequency of 7.2e-05 in 250400 control chromosomes. The observed variant frequency exceeds the estimated maximal expected allele frequency for disease-causing variants in ANK2. To our knowledge, no occurrence of c.9682G>A in individuals affected with ANK2-related conditions and no experimental evidence demonstrating its impact on protein function have been reported. ClinVar contains an entry for this variant (Variation ID: 546461). Based on the evidence outlined above, the variant was classified as likely benign.

Labcorp Genetics (formerly Invitae), Labcorp
Classification: Benign for Long QT syndrome. Last evaluated: 2025-11-09. Review status: criteria provided, single submitter. Criteria: Invitae Variant Classification Sherloc (09022015). Collection method: clinical testing. Allele origin: germline.

Molecular Diagnostic Laboratory for Inherited Cardiovascular Disease, Montreal Heart Institute
Classification: Likely benign. Last evaluated: 2025-04-09. Review status: criteria provided, single submitter. Criteria: ACMG Guidelines, 2015. Collection method: clinical testing. Allele origin: germline. Affected: no.

Fulgent Genetics
Classification: Uncertain significance for Cardiac arrhythmia, ankyrin-B-related. Last evaluated: 2021-08-13. Review status: criteria provided, single submitter. Criteria: ACMG Guidelines, 2015. Collection method: clinical testing. Allele origin: unknown.

GeneDx
Classification: Uncertain significance. Last evaluated: 2019-10-21. Review status: criteria provided, single submitter. Criteria: GeneDx Variant Classification Process June 2021. Collection method: clinical testing. Allele origin: germline. Affected: yes.
Comment: Has not been previously published as pathogenic or benign to our knowledge; In silico analysis, which includes protein predictors and evolutionary conservation, supports that this variant does not alter protein structure/function; Reported in ClinVar as a variant of uncertain significance by another clinical laboratory (ClinVar Variant ID# 546461; Landrum et al., 2016)

Ambry Genetics
Classification: Likely benign for Cardiovascular phenotype. Last evaluated: 2019-08-13. Review status: criteria provided, single submitter. Criteria: Ambry Variant Classification Scheme 2023. Collection method: clinical testing. Allele origin: germline.

Illumina Laboratory Services, Illumina
Classification: Uncertain significance for Cardiac arrhythmia, ankyrin-B-related. Last evaluated: 2018-01-13. Review status: criteria provided, single submitter. Criteria: ICSL Variant Classification Criteria 13 December 2019. Collection method: clinical testing. Allele origin: germline.